The following is an entry in ClinVar:

ClinVar aggregate classification (germline): Uncertain significance (1 of 4 stars; one submission).

Conditions:
Granulomatous disease, chronic, autosomal recessive, cytochrome b-positive, type 2. Also called: GRANULOMATOUS DISEASE, CHRONIC, DUE TO NCF2 DEFICIENCY; GRANULOMATOUS DISEASE, CHRONIC, AUTOSOMAL RECESSIVE, 2; CGD, AUTOSOMAL RECESSIVE CYTOCHROME b-POSITIVE, TYPE II; Chronic Granulomatous Disease, Autosomal Recessive, Cytochrome b-Positive, Type II; Chronic granulomatous disease due to deficiency of NCF-2. Identifiers: Orphanet 379, MedGen C1856245, MONDO:0009310, OMIM 233710.

gnomAD v4.1: 21 of 1,614,102 alleles (0.0013%); highest among the groups gnomAD compares: Non-Finnish European, 0.0017%; no homozygotes.

Submission:

Labcorp Genetics (formerly Invitae), Labcorp
Classification: Uncertain significance for Granulomatous disease, chronic, autosomal recessive, cytochrome b-positive, type 2. Last evaluated: 2022-07-19. Review status: criteria provided, single submitter. Criteria: Invitae Variant Classification Sherloc (09022015). Collection method: clinical testing. Allele origin: germline.
Comment: In summary, the available evidence is currently insufficient to determine the role of this variant in disease. Therefore, it has been classified as a Variant of Uncertain Significance. Algorithms developed to predict the effect of missense changes on protein structure and function output the following: SIFT: "Tolerated"; PolyPhen-2: "Benign"; Align-GVGD: "Class C0". The glutamine amino acid residue is found in multiple mammalian species, which suggests that this missense change does not adversely affect protein function. ClinVar contains an entry for this variant (Variation ID: 1051870). This variant has not been reported in the literature in individuals affected with NCF2-related conditions. This variant is not present in population databases (gnomAD no frequency). This sequence change replaces arginine, which is basic and polar, with glutamine, which is neutral and polar, at codon 184 of the NCF2 protein (p.Arg184Gln).

NM_000433.4(NCF2):c.551G>A (p.Arg184Gln)

Gene: NCF2 (neutrophil cytosolic factor 2; minus strand). Cytogenetic location: 1q25.3.
Variant type: single nucleotide variant.
Coding change: c.551G>A on transcript NM_000433.4 (MANE Select); coding-DNA position 551, G replaced by A.
Protein change: p.Arg184Gln; replaces arginine 184 with glutamine.
Molecular consequence: missense variant. On other transcripts: intron variant (1).
Genome position (GRCh38, 1-based): chr1:183,573,243, C>T on the plus strand (G>A on the coding strand, the complement: NCF2 is on the minus strand). VCF-style: chr1-183573243-C-T. GRCh37 (hg19) VCF-style: chr1-183542378-C-T.
Other names: c.551G>A, p.Arg184Gln (NM_001127651.3); c.416G>A, p.Arg139Gln (NM_001190794.2); c.367-2404G>A (NM_001190789.2); short protein forms R139Q, R184Q.
Identifiers: ClinVar variation 1051870 (VCV001051870.8), dbSNP rs137854518, ClinGen allele CA343676178.